The following is an entry in ClinVar:

NM_000135.4(FANCA):c.3950G>A (p.Arg1317Gln)

Genes: FANCA (FA complementation group A; minus strand), ZNF276 (zinc finger protein 276; plus strand). Cytogenetic location: 16q24.3.
Variant type: single nucleotide variant.
Coding change: c.3950G>A on transcript NM_000135.4 (MANE Select); coding-DNA position 3950, G replaced by A.
Protein change: p.Arg1317Gln; replaces arginine 1317 with glutamine.
Molecular consequence: missense variant. On other transcripts: 3 prime UTR variant (2), non-coding transcript variant (4).
Genome position (GRCh38, 1-based): chr16:89,739,538, C>T on the plus strand (G>A on the coding strand, the complement: FANCA is on the minus strand). VCF-style: chr16-89739538-C-T. GRCh37 (hg19) VCF-style: chr16-89805946-C-T.
Other names: c.3950G>A (NM_000135.3); c.3950G>A, p.Arg1317Gln (NM_001286167.3); c.*1292C>T (NM_001113525.2, NM_152287.4); short protein forms R1317Q.
Identifiers: ClinVar variation 321329 (VCV000321329.17), dbSNP rs376523966, ClinGen allele CA8250852.

ClinVar aggregate classification (germline): Conflicting classifications of pathogenicity. Review status: criteria provided, conflicting classifications (1 of 4 stars). 6 submissions from 6 submitters: Uncertain significance (4); Likely benign (1). 1 of the submissions does not count toward it. Last evaluated 2026-01-26.

Conditions:
Fanconi anemia complementation group A (FANCA). Also called: Fanconi anemia, group A; FANCA-Related Fanconi Anemia. Identifiers: Orphanet 84, MedGen C3469521, MONDO:0009215, OMIM 227650.
Fanconi anemia (FA). Also called: Fanconi's anemia. Identifiers: Orphanet 84, MedGen C0015625, MeSH D005199, MONDO:0019391.

Allele frequency attached by ClinVar (database versions not stated): gnomAD exomes 0.00003; gnomAD 0.00006 and 0.00008; TOPMed 0.00006; ESP Exome Variant Server 0.00008.
gnomAD v4.1: 315 of 1,551,180 alleles (0.02%); highest among the groups gnomAD compares: South Asian, 0.027%; no homozygotes.

Submissions (6):

Labcorp Genetics (formerly Invitae), Labcorp
Classification: Likely benign for Fanconi anemia. Last evaluated: 2026-01-26. Review status: criteria provided, single submitter. Criteria: Invitae Variant Classification Sherloc (09022015). Collection method: clinical testing. Allele origin: germline.

Quest Diagnostics Nichols Institute San Juan Capistrano
Classification: Uncertain significance. Last evaluated: 2022-09-10. Review status: criteria provided, single submitter. Criteria: Quest Diagnostics criteria. Collection method: clinical testing. Allele origin: unknown.
Comment: The frequency of this variant in the general population, 0.00013 (3/22790 chromosomes), is uninformative in assessment of its pathogenicity. In the published literature, the variant has been reported in individuals with pancreatic neuroendocrine tumors (PMID: 28767289 (2017)), epithelial ovarian cancer (EOC) (PMID: 32546565 (2021)), and healthy, unaffected individuals (PMID: 32546565 (2021)). Analysis of this variant using bioinformatics tools for the prediction of the effect of amino acid changes on protein structure and function yielded predictions that this variant is benign. Based on the available information, we are unable to determine the clinical significance of this variant.

Fulgent Genetics
Classification: Uncertain significance for Fanconi anemia complementation group A. Last evaluated: 2022-04-25. Review status: criteria provided, single submitter. Criteria: ACMG Guidelines, 2015. Collection method: clinical testing. Allele origin: unknown.

Genetic Services Laboratory, University of Chicago
Classification: Uncertain significance. Last evaluated: 2021-09-14. Review status: criteria provided, single submitter. Criteria: ACMG Guidelines, 2015. Collection method: clinical testing. Allele origin: germline. Affected: no.
Comment: This sequence change does not appear to have been previously described in patients with FANCA-related disorders. This sequence change has been described in the gnomAD database with a low population frequency of 0.0037% (dbSNP rs376523966). The p.Arg1317Gln change affects a poorly conserved amino acid residue located in a domain of the FANCA protein that is not known to be functional. The p.Arg1317Gln substitution appears to be benign using several in-silico pathogenicity prediction tools (SIFT, PolyPhen2, Align GVGD, REVEL). Due to this insufficient evidence and the lack of functional studies, the clinical significance of the p.Arg1317Gln change remains unknown at this time.

Illumina Laboratory Services, Illumina
Classification: Uncertain significance for Fanconi anemia complementation group A. Last evaluated: 2018-01-13. Review status: criteria provided, single submitter. Criteria: ICSL Variant Classification Criteria 13 December 2019. Collection method: clinical testing. Allele origin: germline.

Natera, Inc.
Classification: Uncertain significance for Fanconi anemia, group A. Last evaluated: 2020-09-16. Review status: no assertion criteria provided. Collection method: clinical testing. Allele origin: germline. Not counted in ClinVar's aggregate classification.

Literature cited by the submitters: PubMed 28767289 (cited by Quest Diagnostics Nichols Institute San Juan Capistrano); PubMed 32546565 (cited by Quest Diagnostics Nichols Institute San Juan Capistrano).